The following is an entry in ClinVar:

NM_000071.3(CBS):c.153_165del (p.Arg51fs)

Gene: CBS (cystathionine beta-synthase; minus strand). Cytogenetic location: 21q22.3.
Variant type: Deletion.
Coding change: c.153_165del on transcript NM_000071.3 (MANE Select); coding-DNA positions 153 to 165, 13 bases deleted (GTGCACCTGGCAG).
Protein change: p.Arg51fs; shifts the reading frame from arginine 51.
Molecular consequence: frameshift variant.
Genome position (GRCh38, 1-based): chr21:43,072,029-43,072,041, CTGCCAGGTGCAC deleted on the plus strand (GTGCACCTGGCAG on the coding strand, the reverse complement: CBS is on the minus strand); deleting any 13 consecutive bases within chr21:43,072,029-43,072,045 gives the same sequence; the c. name uses the placement nearest the transcript's 3' end. VCF-style (leftmost placement, unchanged base first): chr21-43072028-GCTGCCAGGTGCAC-G. GRCh37 (hg19) VCF-style: chr21-44492138-GCTGCCAGGTGCAC-G.
Other names: c.153_165del (NM_000071.2); c.153_165del13 (NM_000071.2); c.153_165del, p.Arg51fs (NM_001178008.3, NM_001178009.3, NM_001320298.2); short protein forms R51fs.
Identifiers: ClinVar variation 558538 (VCV000558538.8), dbSNP rs1555876784, ClinGen allele CA658824063.
Genomic context (GRCh38, chr21:43,072,028, plus strand): 5'-TCAAAAGCAGGACTTACGGGGCAGTGTGGTGATGTGGGGACTCGGAGGCAGGCCGGCCCA[GCTGCCAGGTGCAC>G]CTGCTCGGAGCATCGGGCCGGATCCACAGGGGCTCCTTGGCTTCCTTATCCTCTGGGGAC-3'

ClinVar aggregate classification (germline): Pathogenic/Likely pathogenic. Review status: criteria provided, multiple submitters, no conflicts (2 of 4 stars). 3 submissions from 3 submitters: Pathogenic (1); Likely pathogenic (1). 1 of the submissions does not count toward it. Last evaluated 2024-06-06.

Conditions:
Classic homocystinuria. Also called: Homocystinuria due to Cystathionine Beta-Synthase Deficiency; Homocystinuria due to CBS deficiency; Cystathionine beta-synthase deficiency; CBS deficiency; HOMOCYSTINURIA WITH OR WITHOUT RESPONSE TO PYRIDOXINE. Identifiers: Orphanet 394, MedGen C0751202, MONDO:0009352, OMIM 236200.
HYPERHOMOCYSTEINEMIA, THROMBOTIC, CBS-RELATED. Identifiers: MedGen C3150344, OMIM 236200.

Submissions (3):

GeneDx
Classification: Likely pathogenic. Last evaluated: 2024-06-06. Review status: criteria provided, single submitter. Criteria: GeneDx Variant Classification Process June 2021. Collection method: clinical testing. Allele origin: germline. Affected: yes.
Comment: Frameshift variant predicted to result in protein truncation or nonsense mediated decay in a gene for which loss of function is a known mechanism of disease; Not observed at significant frequency in large population cohorts (gnomAD); Has not been previously published as pathogenic or benign to our knowledge

Labcorp Genetics (formerly Invitae), Labcorp
Classification: Pathogenic for HYPERHOMOCYSTEINEMIA, THROMBOTIC, CBS-RELATED. Last evaluated: 2023-03-21. Review status: criteria provided, single submitter. Criteria: Invitae Variant Classification Sherloc (09022015). Collection method: clinical testing. Allele origin: germline.
Comment: For these reasons, this variant has been classified as Pathogenic. ClinVar contains an entry for this variant (Variation ID: 558538). This variant has not been reported in the literature in individuals affected with CBS-related conditions. This variant is not present in population databases (gnomAD no frequency). This sequence change creates a premature translational stop signal (p.Arg51Serfs*27) in the CBS gene. It is expected to result in an absent or disrupted protein product. Loss-of-function variants in CBS are known to be pathogenic (PMID: 10338090, 12124992).

Counsyl
Classification: Likely pathogenic for Classic homocystinuria. Last evaluated: 2018-05-30. Review status: no assertion criteria provided. Collection method: clinical testing. Allele origin: unknown. Not counted in ClinVar's aggregate classification.

Literature cited by the submitters: PubMed 10338090 (cited by Labcorp Genetics (formerly Invitae), Labcorp); PubMed 12124992 (cited by Labcorp Genetics (formerly Invitae), Labcorp).